The following is an entry in ClinVar:

NM_001145475.3(FAM186A):c.4896G>C (p.Ala1632=)

Gene: FAM186A (family with sequence similarity 186 member A; minus strand). Cytogenetic location: 12q13.12.
Variant type: single nucleotide variant.
Coding change: c.4896G>C on transcript NM_001145475.3 (MANE Select); coding-DNA position 4896, G replaced by C.
Protein change: p.Ala1632=; no amino-acid change (alanine 1632 retained).
Molecular consequence: synonymous variant.
Genome position (GRCh38, 1-based): chr12:50,351,936, C>G on the plus strand (G>C on the coding strand, the complement: FAM186A is on the minus strand). VCF-style: chr12-50351936-C-G. GRCh37 (hg19) VCF-style: chr12-50745719-C-G.
Identifiers: ClinVar variation 3511992 (VCV003511992.8).

ClinVar aggregate classification (germline): Likely benign. Review status: criteria provided, multiple submitters, no conflicts (2 of 4 stars). 2 submissions from 2 submitters: Likely benign (2). Last evaluated 2026-02-01.

Submissions (2):

CeGaT Center for Human Genetics Tuebingen
Classification: Likely benign. Last evaluated: 2026-02-01. Review status: criteria provided, single submitter. Criteria: CeGaT Center For Human Genetics Tuebingen Variant Classification Criteria Version 2. Collection method: clinical testing. Allele origin: germline. Affected: yes. Observed: 3 variant alleles.
Comment: FAM186A: BP4, BP7

Ambry Genetics
Classification: Likely benign. Last evaluated: 2024-09-09. Review status: criteria provided, single submitter. Criteria: Ambry Variant Classification Scheme 2023. Collection method: clinical testing. Allele origin: germline.